The following is an entry in ClinVar:

NM_001273.5(CHD4):c.3539T>G (p.Val1180Gly)

Gene: CHD4 (chromodomain helicase DNA binding protein 4; minus strand). Cytogenetic location: 12p13.31.
Variant type: single nucleotide variant.
Coding change: c.3539T>G on transcript NM_001273.5 (MANE Select); coding-DNA position 3539, T replaced by G.
Protein change: p.Val1180Gly; replaces valine 1180 with glycine.
Molecular consequence: missense variant.
Genome position (GRCh38, 1-based): chr12:6,587,876, A>C on the plus strand (T>G on the coding strand, the complement: CHD4 is on the minus strand). VCF-style: chr12-6587876-A-C. GRCh37 (hg19) VCF-style: chr12-6697042-A-C.
Other names: c.3518T>G, p.Val1173Gly (NM_001297553.2); c.3500T>G, p.Val1167Gly (NM_001363606.2); short protein forms V1167G, V1173G, V1180G.
Identifiers: ClinVar variation 1030326 (VCV001030326.2), dbSNP rs1948326612, ClinGen allele CA383581987.
Genomic context (GRCh38, chr12:6,587,876, plus strand): 5'-CGCACCACTAGATGCGTCAGCATCATTTTCTTCTTTGCCACCTGCGTGATGCGCTCCTCC[A>C]CTGACGCACGGGTCACAAACCGGTAGATCATTACCTTTTTATTTTGCCCAATCCGGTGAG-3'
Protein context (NP_001264.2, residues 1170-1190): MIYRFVTRAS[Val1180Gly]EERITQVAKK

ClinVar aggregate classification (germline): Likely pathogenic. Review status: criteria provided, multiple submitters, no conflicts (2 of 4 stars). 2 submissions from 2 submitters: Likely pathogenic (2). Last evaluated 2024-04-01.

Conditions:
Sifrim-Hitz-Weiss syndrome (SIHIWES). Also called: CHD4 Neurodevelopmental Disorder; SIFRIM-HITZ-WEISS MULTIPLE CONGENITAL ANOMALIES-MENTAL RETARDATION SYNDROME. Identifiers: Orphanet 653712, MedGen C4310688, MONDO:0014946, OMIM 617159.

Submissions (2):

Daryl Scott Lab, Baylor College of Medicine
Classification: Likely pathogenic for Sifrim-Hitz-Weiss syndrome. Last evaluated: 2024-04-01. Review status: criteria provided, single submitter. Criteria: ACMG Guidelines, 2015. Collection method: clinical testing. Allele origin: de novo. Observed: 1 heterozygote.
Comment: PS2, PM2

Baylor Genetics
Classification: Likely pathogenic for Sifrim-Hitz-Weiss syndrome. Last evaluated: 2020-11-11. Review status: criteria provided, single submitter. Criteria: ACMG Guidelines, 2015. Collection method: clinical testing. Allele origin: unknown. Affected: yes.
Comment: This variant was determined to be likely pathogenic according to ACMG Guidelines, 2015 [PMID:25741868].